The following is an entry in ClinVar:

ClinVar aggregate classification (germline): Likely benign. Review status: criteria provided, multiple submitters, no conflicts (2 of 4 stars). 2 submissions from 2 submitters: Likely benign (2). Last evaluated 2026-04-01.

Allele frequency attached by ClinVar (database versions not stated): gnomAD exomes 0.00005 and 0.00008; ExAC 0.00010; ESP Exome Variant Server 0.00023; gnomAD 0.00040 and 0.00044; TOPMed 0.00044; 1000 Genomes Project 30x 0.00062; 1000 Genomes Project 0.00080.
gnomAD v4.1: 135 of 1,612,404 alleles (0.0084%); highest among the groups gnomAD compares: African/African-American, 0.16%; no homozygotes.

Submissions (2):

CeGaT Center for Human Genetics Tuebingen
Classification: Likely benign. Last evaluated: 2026-04-01. Review status: criteria provided, single submitter. Criteria: CeGaT Center For Human Genetics Tuebingen Variant Classification Criteria Version 2. Collection method: clinical testing. Allele origin: germline. Affected: yes. Observed: 1 variant allele.
Comment: PDE2A: BP4, BP7

Labcorp Genetics (formerly Invitae), Labcorp
Classification: Likely benign. Last evaluated: 2025-11-21. Review status: criteria provided, single submitter. Criteria: Invitae Variant Classification Sherloc (09022015). Collection method: clinical testing. Allele origin: germline.

NM_002599.5(PDE2A):c.1677G>A (p.Glu559=)

Gene: PDE2A (phosphodiesterase 2A; minus strand). Cytogenetic location: 11q13.4.
Variant type: single nucleotide variant.
Coding change: c.1677G>A on transcript NM_002599.5 (MANE Select); coding-DNA position 1677, G replaced by A.
Protein change: p.Glu559=; no amino-acid change (glutamic acid 559 retained).
Molecular consequence: synonymous variant.
Genome position (GRCh38, 1-based): chr11:72,583,489, C>T on the plus strand (G>A on the coding strand, the complement: PDE2A is on the minus strand). VCF-style: chr11-72583489-C-T. GRCh37 (hg19) VCF-style: chr11-72294533-C-T.
Other names: c.1656G>A, p.Glu552= (NM_001143839.4); c.1650G>A, p.Glu550= (NM_001146209.3); c.1614G>A, p.Glu538= (NM_001243784.2).
Identifiers: ClinVar variation 1132816 (VCV001132816.11), dbSNP rs138291495, ClinGen allele CA6172073.